The following is an entry in ClinVar:

NM_002693.3(POLG):c.1370G>A (p.Arg457Gln)

Gene: POLG (DNA polymerase gamma, catalytic subunit; minus strand). Cytogenetic location: 15q26.1.
Variant type: single nucleotide variant.
Coding change: c.1370G>A on transcript NM_002693.3 (MANE Select); coding-DNA position 1370, G replaced by A.
Protein change: p.Arg457Gln; replaces arginine 457 with glutamine.
Molecular consequence: missense variant.
Genome position (GRCh38, 1-based): chr15:89,327,230, C>T on the plus strand (G>A on the coding strand, the complement: POLG is on the minus strand). VCF-style: chr15-89327230-C-T. GRCh37 (hg19) VCF-style: chr15-89870461-C-T.
Other names: c.1370G>A, p.Arg457Gln (NM_001126131.2); short protein forms R457Q.
Identifiers: ClinVar variation 576988 (VCV000576988.10), dbSNP rs372911506, ClinGen allele CA7724870.

ClinVar aggregate classification (germline): Uncertain significance. Review status: criteria provided, multiple submitters, no conflicts (2 of 4 stars). 3 submissions from 3 submitters: Uncertain significance (3). Last evaluated 2025-11-25.

Conditions:
Progressive sclerosing poliodystrophy (MTDPS4A). Also called: Mitochondrial DNA depletion syndrome 4A (Alpers type); Mitochondrial DNA Depletion Syndrome 4A; Alpers Syndrome; ALPERS DIFFUSE DEGENERATION OF CEREBRAL GRAY MATTER WITH HEPATIC CIRRHOSIS; Alpers-Huttenlocher Syndrome; ALPERS PROGRESSIVE INFANTILE POLIODYSTROPHY. Identifiers: Orphanet 726, MedGen C0205710, MONDO:0008758, OMIM 203700.

Allele frequency attached by ClinVar (database versions not stated): gnomAD 0.00001 and 0.00002; gnomAD exomes 0.00001 and 0.00003; ExAC 0.00003; TOPMed 0.00004; ESP Exome Variant Server 0.00008.

Submissions (3):

Labcorp Genetics (formerly Invitae), Labcorp
Classification: Uncertain significance for Progressive sclerosing poliodystrophy. Last evaluated: 2025-11-25. Review status: criteria provided, single submitter. Criteria: Invitae Variant Classification Sherloc (09022015). Collection method: clinical testing. Allele origin: germline.
Comment: This sequence change replaces arginine, which is basic and polar, with glutamine, which is neutral and polar, at codon 457 of the POLG protein (p.Arg457Gln). This variant is present in population databases (rs372911506, gnomAD 0.01%). This missense change has been observed in individual(s) with asymmetric ataxia, depression, memory loss, epilepsy, and axonal neuropathy (PMID: 29278894). ClinVar contains an entry for this variant (Variation ID: 576988). Invitae Evidence Modeling of protein sequence and biophysical properties (such as structural, functional, and spatial information, amino acid conservation, physicochemical variation, residue mobility, and thermodynamic stability) indicates that this missense variant is not expected to disrupt POLG protein function with a negative predictive value of 95%. In summary, the available evidence is currently insufficient to determine the role of this variant in disease. Therefore, it has been classified as a Variant of Uncertain Significance.

GeneDx
Classification: Uncertain significance. Last evaluated: 2023-08-04. Review status: criteria provided, single submitter. Criteria: GeneDx Variant Classification Process June 2021. Collection method: clinical testing. Allele origin: germline. Affected: yes.
Comment: Not observed at significant frequency in large population cohorts (gnomAD); In silico analysis supports that this missense variant does not alter protein structure/function; This variant is associated with the following publications: (PMID: 29278894, 34194468)

Wong Mito Lab, Molecular and Human Genetics, Baylor College of Medicine
Classification: Uncertain significance for Progressive sclerosing poliodystrophy. Last evaluated: 2018-10-01. Review status: criteria provided, single submitter. Criteria: ACMG Guidelines, 2015. Collection method: clinical testing. Allele origin: germline.
Comment: The NM_002693.2:c.1370G>A (NP_002684.1:p.Arg457Gln) [GRCH38: NC_000015.10:g.89327230C>T] variant in POLG gene is interpretated to be a Uncertain Significance based on ACMG guidelines (PMID: 25741868). This variant meets the following evidence codes reported in the ACMG-guideline. PM2:This variant is absent in key population databases. Based on the evidence criteria codes applied, the variant is suggested to be Uncertain Significance.

Literature cited by the submitters: PubMed 29278894 (cited by Labcorp Genetics (formerly Invitae), Labcorp).